The following is an entry in ClinVar:

NM_173354.5(SIK1):c.1605G>A (p.Pro535=)

Gene: SIK1 (salt inducible kinase 1; minus strand). Cytogenetic location: 21q22.3.
Variant type: single nucleotide variant.
Coding change: c.1605G>A on transcript NM_173354.5 (MANE Select); coding-DNA position 1605, G replaced by A.
Protein change: p.Pro535=; no amino-acid change (proline 535 retained).
Molecular consequence: synonymous variant.
Genome position (GRCh38, 1-based): chr21:43,418,399, C>T on the plus strand (G>A on the coding strand, the complement: SIK1 is on the minus strand). VCF-style: chr21-43418399-C-T. GRCh37 (hg19) VCF-style: chr21-44838279-C-T.
Identifiers: ClinVar variation 476091 (VCV000476091.21), dbSNP rs113434279, ClinGen allele CA321325408.

ClinVar aggregate classification (germline): Benign/Likely benign. Review status: criteria provided, multiple submitters, no conflicts (2 of 4 stars). 5 submissions from 5 submitters: Benign (4); Likely benign (1). Last evaluated 2026-05-01.

Conditions:
Inborn genetic diseases. Identifiers: MedGen C0950123, MeSH D030342.
Developmental and epileptic encephalopathy, 30 (DEE30). Also called: Epileptic encephalopathy, early infantile, 30. Identifiers: MedGen C4225360, MONDO:0014595, OMIM 616341.

Allele frequency attached by ClinVar (database versions not stated): gnomAD exomes 0.00377; ESP Exome Variant Server 0.00755; 1000 Genomes Project 0.00779; TOPMed 0.00799.

Submissions (5):

CeGaT Center for Human Genetics Tuebingen
Classification: Likely benign. Last evaluated: 2026-05-01. Review status: criteria provided, single submitter. Criteria: CeGaT Center For Human Genetics Tuebingen Variant Classification Criteria Version 2. Collection method: clinical testing. Allele origin: germline. Affected: yes. Observed: 1 variant allele.
Comment: SIK1: BP4, BP7

Labcorp Genetics (formerly Invitae), Labcorp
Classification: Benign for Developmental and epileptic encephalopathy, 30. Last evaluated: 2026-01-28. Review status: criteria provided, single submitter. Criteria: Invitae Variant Classification Sherloc (09022015). Collection method: clinical testing. Allele origin: germline.

Athena Diagnostics
Classification: Benign. Last evaluated: 2023-11-02. Review status: criteria provided, single submitter. Criteria: Athena Diagnostics Criteria. Collection method: clinical testing. Allele origin: unknown.

Ambry Genetics
Classification: Benign for Inborn genetic diseases. Last evaluated: 2016-06-21. Review status: criteria provided, single submitter. Criteria: Ambry Variant Classification Scheme 2023. Collection method: clinical testing. Allele origin: germline.

Breakthrough Genomics
Classification: Benign. Review status: criteria provided, single submitter. Criteria: ACMG Guidelines, 2015. Collection method: not provided. Allele origin: germline. Inheritance: Autosomal dominant inheritance. Affected: yes.